The following is an entry in ClinVar:

ClinVar aggregate classification (germline): Uncertain significance (1 of 4 stars; one submission).

Allele frequency attached by ClinVar (database versions not stated): gnomAD 0.00001; gnomAD exomes below 0.00001.
gnomAD v4.1: 2 of 1,199,838 alleles (0.00017%); highest among the groups gnomAD compares: Admixed American, 0.0022%; no homozygotes.

Submission:

Labcorp Genetics (formerly Invitae), Labcorp
Classification: Uncertain significance. Last evaluated: 2025-03-04. Review status: criteria provided, single submitter. Criteria: Invitae Variant Classification Sherloc (09022015). Collection method: clinical testing. Allele origin: germline.
Comment: This sequence change replaces arginine, which is basic and polar, with histidine, which is basic and polar, at codon 458 of the ALAS2 protein (p.Arg458His). This variant is not present in population databases (gnomAD no frequency). This variant has not been reported in the literature in individuals affected with ALAS2-related conditions. ClinVar contains an entry for this variant (Variation ID: 2737237). Invitae Evidence Modeling of protein sequence and biophysical properties (such as structural, functional, and spatial information, amino acid conservation, physicochemical variation, residue mobility, and thermodynamic stability) has been performed for this missense variant. However, the output from this modeling did not meet the statistical confidence thresholds required to predict the impact of this variant on ALAS2 protein function. In summary, the available evidence is currently insufficient to determine the role of this variant in disease. Therefore, it has been classified as a Variant of Uncertain Significance.

NM_000032.5(ALAS2):c.1373G>A (p.Arg458His)

Gene: ALAS2 (5'-aminolevulinate synthase 2; minus strand). Cytogenetic location: Xp11.21.
Variant type: single nucleotide variant.
Coding change: c.1373G>A on transcript NM_000032.5 (MANE Select); coding-DNA position 1373, G replaced by A.
Protein change: p.Arg458His; replaces arginine 458 with histidine.
Molecular consequence: missense variant.
Genome position (GRCh38, 1-based): chrX:55,014,811, C>T on the plus strand (G>A on the coding strand, the complement: ALAS2 is on the minus strand). VCF-style: chrX-55014811-C-T. GRCh37 (hg19) VCF-style: chrX-55041244-C-T.
Other names: c.1262G>A, p.Arg421His (NM_001037967.4); c.1334G>A, p.Arg445His (NM_001037968.4); short protein forms R445H, R421H, R458H.
Identifiers: ClinVar variation 2737237 (VCV002737237.3), dbSNP rs1935671478, ClinGen allele CA413292579.